The following is an entry in ClinVar:

ClinVar aggregate classification (germline): Uncertain significance. Review status: criteria provided, multiple submitters, no conflicts (2 of 4 stars). 3 submissions from 3 submitters: Uncertain significance (3). Last evaluated 2026-06-11.

Conditions:
Hypertrophic cardiomyopathy. Also called: HYPERTROPHIC MYOCARDIOPATHY. Identifiers: Orphanet 217569, MedGen C0007194, MeSH D002312, MONDO:0005045, HP:0001639.
Cardiovascular phenotype. Identifiers: MedGen CN230736.

Submissions (3):

Ambry Genetics
Classification: Uncertain significance for Cardiovascular phenotype. Last evaluated: 2026-06-11. Review status: criteria provided, single submitter. Criteria: Ambry Variant Classification Scheme 2023. Collection method: clinical testing. Allele origin: germline.

Labcorp Genetics (formerly Invitae), Labcorp
Classification: Uncertain significance for Hypertrophic cardiomyopathy. Last evaluated: 2025-05-26. Review status: criteria provided, single submitter. Criteria: Invitae Variant Classification Sherloc (09022015). Collection method: clinical testing. Allele origin: germline.
Comment: This sequence change replaces methionine, which is neutral and non-polar, with lysine, which is basic and polar, at codon 1256 of the MYH7 protein (p.Met1256Lys). This variant is not present in population databases (gnomAD no frequency). This variant has not been reported in the literature in individuals affected with MYH7-related conditions. Invitae Evidence Modeling of protein sequence and biophysical properties (such as structural, functional, and spatial information, amino acid conservation, physicochemical variation, residue mobility, and thermodynamic stability) indicates that this missense variant is not expected to disrupt MYH7 protein function with a negative predictive value of 95%. In summary, the available evidence is currently insufficient to determine the role of this variant in disease. Therefore, it has been classified as a Variant of Uncertain Significance.

GeneDx
Classification: Uncertain significance. Last evaluated: 2025-05-09. Review status: criteria provided, single submitter. Criteria: GeneDx Variant Classification Process June 2021. Collection method: clinical testing. Allele origin: germline. Affected: yes.
Comment: Not observed at significant frequency in large population cohorts (gnomAD); In silico analysis supports that this missense variant has a deleterious effect on protein structure/function; Has not been previously published as pathogenic or benign to our knowledge

NM_000257.4(MYH7):c.3767T>A (p.Met1256Lys)

Gene: MYH7 (myosin heavy chain 7; minus strand). Cytogenetic location: 14q11.2.
Variant type: single nucleotide variant.
Coding change: c.3767T>A on transcript NM_000257.4 (MANE Select); coding-DNA position 3767, T replaced by A.
Protein change: p.Met1256Lys; replaces methionine 1256 with lysine.
Molecular consequence: missense variant.
Genome position (GRCh38, 1-based): chr14:23,419,569, A>T on the plus strand (T>A on the coding strand, the complement: MYH7 is on the minus strand). VCF-style: chr14-23419569-A-T. GRCh37 (hg19) VCF-style: chr14-23888778-A-T.
Other names: c.3767T>A, p.Met1256Lys (NM_001407004.1); short protein forms M1256K.
Identifiers: ClinVar variation 4526978 (VCV004526978.3).